The following is an entry in ClinVar:

NM_001206927.2(DNAH8):c.10411G>A (p.Asp3471Asn)

Genes: DNAH8 (dynein axonemal heavy chain 8; plus strand), DNAH8-AS1 (DNAH8 antisense RNA 1; minus strand). Cytogenetic location: 6p21.2.
Variant type: single nucleotide variant.
Coding change: c.10411G>A on transcript NM_001206927.2 (MANE Select); coding-DNA position 10411, G replaced by A.
Protein change: p.Asp3471Asn; replaces aspartic acid 3471 with asparagine.
Molecular consequence: missense variant.
Genome position (GRCh38, 1-based): chr6:38,918,027, G>A. VCF-style: chr6-38918027-G-A. GRCh37 (hg19) VCF-style: chr6-38885803-G-A.
Other names: c.9760G>A, p.Asp3254Asn (NM_001371.4); short protein forms D3471N, D3254N.
Identifiers: ClinVar variation 3660516 (VCV003660516.2).

ClinVar aggregate classification (germline): Uncertain significance (1 of 4 stars; one submission).

Conditions:
Primary ciliary dyskinesia. Also called: Ciliary dyskinesia. Identifiers: Orphanet 244, MedGen C0008780, MONDO:0016575, HP:0012265.

gnomAD v4.1: 1 of 1,613,694 alleles (0.000062%); highest among the groups gnomAD compares: Non-Finnish European, 0.000085%; no homozygotes.

Submission:

Labcorp Genetics (formerly Invitae), Labcorp
Classification: Uncertain significance for Primary ciliary dyskinesia. Last evaluated: 2024-07-24. Review status: criteria provided, single submitter. Criteria: Invitae Variant Classification Sherloc (09022015). Collection method: clinical testing. Allele origin: germline.
Comment: This sequence change replaces aspartic acid, which is acidic and polar, with asparagine, which is neutral and polar, at codon 3471 of the DNAH8 protein (p.Asp3471Asn). This variant is not present in population databases (gnomAD no frequency). This variant has not been reported in the literature in individuals affected with DNAH8-related conditions. Advanced modeling of protein sequence and biophysical properties (such as structural, functional, and spatial information, amino acid conservation, physicochemical variation, residue mobility, and thermodynamic stability) performed at Invitae indicates that this missense variant is not expected to disrupt DNAH8 protein function with a negative predictive value of 80%. In summary, the available evidence is currently insufficient to determine the role of this variant in disease. Therefore, it has been classified as a Variant of Uncertain Significance.